The following is an entry in ClinVar:

ClinVar aggregate classification (germline): Uncertain significance. Review status: criteria provided, multiple submitters, no conflicts (2 of 4 stars). 3 submissions from 3 submitters: Uncertain significance (3). Last evaluated 2024-06-07.

Conditions:
Mitochondrial complex V (ATP synthase) deficiency, nuclear type 2. Also called: Nuclear-Encoded ATPase Deficiency, TMEM70-Related; ENCEPHALOCARDIOMYOPATHY, MITOCHONDRIAL, NEONATAL, DUE TO ATP SYNTHASE DEFICIENCY; MITOCHONDRIAL COMPLEX V (ATP SYNTHASE) DEFICIENCY, TMEM70 TYPE. Identifiers: Orphanet 1194, MedGen C3279699, MONDO:0013546, OMIM 614052.
Inborn genetic diseases. Identifiers: MedGen C0950123, MeSH D030342.

Allele frequency attached by ClinVar (database versions not stated): gnomAD 0.00001; gnomAD exomes 0.00001; TOPMed 0.00001.
gnomAD v4.1: 8 of 1,614,028 alleles (0.0005%); highest among the groups gnomAD compares: Admixed American, 0.0033%; no homozygotes.

Submissions (3):

Ambry Genetics
Classification: Uncertain significance for Inborn genetic diseases. Last evaluated: 2024-06-07. Review status: criteria provided, single submitter. Criteria: Ambry Variant Classification Scheme 2023. Collection method: clinical testing. Allele origin: germline.

Labcorp Genetics (formerly Invitae), Labcorp
Classification: Uncertain significance for Mitochondrial complex V (ATP synthase) deficiency, nuclear type 2. Last evaluated: 2023-10-03. Review status: criteria provided, single submitter. Criteria: Invitae Variant Classification Sherloc (09022015). Collection method: clinical testing. Allele origin: germline.
Comment: This sequence change replaces isoleucine, which is neutral and non-polar, with phenylalanine, which is neutral and non-polar, at codon 154 of the TMEM70 protein (p.Ile154Phe). This variant is present in population databases (no rsID available, gnomAD 0.006%). This variant has not been reported in the literature in individuals affected with TMEM70-related conditions. ClinVar contains an entry for this variant (Variation ID: 1379885). Advanced modeling of protein sequence and biophysical properties (such as structural, functional, and spatial information, amino acid conservation, physicochemical variation, residue mobility, and thermodynamic stability) performed at Invitae indicates that this missense variant is not expected to disrupt TMEM70 protein function. In summary, the available evidence is currently insufficient to determine the role of this variant in disease. Therefore, it has been classified as a Variant of Uncertain Significance.

Clinical Genomics Laboratory, Stanford Medicine
Classification: Uncertain significance for Mitochondrial complex V (ATP synthase) deficiency, nuclear type 2. Last evaluated: 2021-09-20. Review status: criteria provided, single submitter. Criteria: ACMG Guidelines, 2015. Collection method: clinical testing. Allele origin: germline. Observed: 1 variant allele, 1 heterozygote.
Comment: The p.Ile154Phe variant in the TMEM70 gene has not been previously reported in association with disease. This variant has been identified in 2/251,446 chromosomes by the Genome Aggregation Database. Although this variant has been seen in the general population, its frequency is low enough to be consistent with a recessive carrier frequency. Computational tools do not predict that the p.Ile154Phe variant is deleterious; however, the accuracy of in silico algorithms is limited. These data were assessed using the ACMG/AMP variant interpretation guidelines. In summary, the significance of the p.Ile154Phe variant is uncertain. Additional information is needed to resolve the significance of this variant. [ACMG evidence codes used: PM2]

NM_017866.6(TMEM70):c.460A>T (p.Ile154Phe)

Gene: TMEM70 (transmembrane protein 70; plus strand). Cytogenetic location: 8q21.11.
Variant type: single nucleotide variant.
Coding change: c.460A>T on transcript NM_017866.6 (MANE Select); coding-DNA position 460, A replaced by T.
Protein change: p.Ile154Phe; replaces isoleucine 154 with phenylalanine.
Molecular consequence: missense variant. On other transcripts: 3 prime UTR variant (1), non-coding transcript variant (1).
Genome position (GRCh38, 1-based): chr8:73,981,298, A>T. VCF-style: chr8-73981298-A-T. GRCh37 (hg19) VCF-style: chr8-74893533-A-T.
Other names: c.*150A>T (NM_001040613.3); c.460A>T (NM_017866.5); short protein forms I154F.
Identifiers: ClinVar variation 1379885 (VCV001379885.6), dbSNP rs1017176272, ClinGen allele CA179294220.
Genomic context (GRCh38, chr8:73,981,298, plus strand): 5'-GAAAGTGTGCCTCTGCCTATTCAAATCATATTCTATGGCATCATGGGAAGCTTTACGGTG[A>T]TCACCCCAGTGCTGCTTCACTTTATTACAAAAGGCTATGTCATTCGATTGTACCATGAGG-3'
Protein context (NP_060336.3, residues 144-164): FYGIMGSFTV[Ile154Phe]TPVLLHFITK